The following is an entry in ClinVar:

NC_000002.12:g.(?_149569964)_(149587107_?)del

Gene: MMADHC (metabolism of cobalamin associated D; minus strand). Cytogenetic location: 2q23.2.
Variant type: Deletion.
Identifiers: ClinVar variation 831549 (VCV000831549.2).

ClinVar aggregate classification (germline): Pathogenic (1 of 4 stars; one submission).

Conditions:
Methylmalonic aciduria and homocystinuria type cblD (MAHCD). Also called: Methylmalonic aciduria with homocystinuria cblD type; METHYLMALONIC ACIDEMIA, cblH TYPE. Identifiers: Orphanet 622, Orphanet 79283, MedGen C1848552, MONDO:0010185, OMIM 277410.

Submission:

Labcorp Genetics (formerly Invitae), Labcorp
Classification: Pathogenic for Methylmalonic aciduria and homocystinuria type cblD. Last evaluated: 2022-02-10. Review status: criteria provided, single submitter. Criteria: Invitae Variant Classification Sherloc (09022015). Collection method: clinical testing. Allele origin: germline.
Comment: A gross deletion of the genomic region encompassing the full coding sequence of the MMADHC gene has been identified. Loss-of-function variants in MMADHC are known to be pathogenic (PMID: 18385497). The boundaries of this event are unknown as they extend beyond the assayed region for this gene and therefore may encompass additional genes. This variant has not been reported in the literature in individuals affected with MMADHC-related conditions. For these reasons, this variant has been classified as Pathogenic.

Literature cited by the submitters: PubMed 18385497.